The following is an entry in ClinVar:

NC_000001.10:g.(?_1718770)_(1961721_?)dup

Genes: CALML6 (calmodulin like 6; plus strand), CFAP74 (cilia and flagella associated protein 74; minus strand), GABRD (gamma-aminobutyric acid type A receptor subunit delta; plus strand), GNB1 (G protein subunit beta 1; minus strand), TMEM52 (transmembrane protein 52; minus strand). Cytogenetic location: 1p36.33.
Variant type: Duplication.
Identifiers: ClinVar variation 3247935 (VCV003247935.1).

ClinVar aggregate classification (germline): Uncertain significance (1 of 4 stars; one submission).

Submission:

Labcorp Genetics (formerly Invitae), Labcorp
Classification: Uncertain significance. Last evaluated: 2024-01-25. Review status: criteria provided, single submitter. Criteria: Invitae Variant Classification Sherloc (09022015). Collection method: clinical testing. Allele origin: unknown.
Comment: A copy number gain of the genomic region encompassing the full coding sequence of the GNB1 gene has been identified. The boundaries of this event are unknown as they extend beyond the assayed region for this gene and therefore may encompass additional genes. As the precise location of this event is unknown, it may be in tandem or it may be located elsewhere in the genome. This variant has not been reported in the literature in individuals affected with GNB1-related conditions. In summary, the available evidence is currently insufficient to determine the role of this variant in disease. Therefore, it has been classified as a Variant of Uncertain Significance.